The following is an entry in ClinVar:

NM_001363540.2(DOCK4):c.5425C>T (p.Pro1809Ser)

Gene: DOCK4 (dedicator of cytokinesis 4; minus strand). Cytogenetic location: 7q31.1.
Variant type: single nucleotide variant.
Coding change: c.5425C>T on transcript NM_001363540.2 (MANE Select); coding-DNA position 5425, C replaced by T.
Protein change: p.Pro1809Ser; replaces proline 1809 with serine.
Molecular consequence: missense variant.
Genome position (GRCh38, 1-based): chr7:111,732,282, G>A on the plus strand (C>T on the coding strand, the complement: DOCK4 is on the minus strand). VCF-style: chr7-111732282-G-A. GRCh37 (hg19) VCF-style: chr7-111372338-G-A.
Other names: c.5398C>T, p.Pro1800Ser (NM_014705.4); short protein forms P1800S, P1809S.
Identifiers: ClinVar variation 3905443 (VCV003905443.10).
Genomic context (GRCh38, chr7:111,732,282, plus strand): 5'-TTACCTTCAATGGAGATCGCCCGGCAGGCGAGGGGGATACTGATGTCGTGTGTCTTGCTG[G>A]TGAAGCTGTCAATGGGGAGAGAGATAACATTTCAATTAAGAAAAACCAGACGATTGACTA-3'
Protein context (NP_001350469.1, residues 1799-1819): VPPRPTQTAS[Pro1809Ser]ARHTTSVSPS

ClinVar aggregate classification (germline): Uncertain significance (1 of 4 stars; one submission).

gnomAD v4.1: 1 of 1,613,990 alleles (0.000062%); highest among the groups gnomAD compares: Non-Finnish European, 0.000085%; no homozygotes.

Submission:

CeGaT Center for Human Genetics Tuebingen
Classification: Uncertain significance. Last evaluated: 2025-05-01. Review status: criteria provided, single submitter. Criteria: CeGaT Center For Human Genetics Tuebingen Variant Classification Criteria Version 2. Collection method: clinical testing. Allele origin: germline. Affected: yes. Observed: 1 variant allele.
Comment: DOCK4: PM2, BP4